The following is an entry in ClinVar:

NM_000733.4(CD3E):c.498G>A (p.Ala166=)

Gene: CD3E (CD3 epsilon subunit of T-cell receptor complex; plus strand). Cytogenetic location: 11q23.3.
Variant type: single nucleotide variant.
Coding change: c.498G>A on transcript NM_000733.4 (MANE Select); coding-DNA position 498, G replaced by A.
Protein change: p.Ala166=; no amino-acid change (alanine 166 retained).
Molecular consequence: synonymous variant.
Genome position (GRCh38, 1-based): chr11:118,313,852, G>A. VCF-style: chr11-118313852-G-A. GRCh37 (hg19) VCF-style: chr11-118184567-G-A.
Identifiers: ClinVar variation 35806 (VCV000035806.22), dbSNP rs78373007, ClinGen allele CA213609.
Genomic context (GRCh38, chr11:118,313,852, plus strand): 5'-GCTGGTTTACTACTGGAGCAAGAATAGAAAGGCCAAGGCCAAGCCTGTGACACGAGGAGC[G>A]GGTGCTGGCGGCAGGCAAAGGGGTAAGGCTGTGGAGTCCAGTCAGAGGAGATTCCTGCCA-3'
Protein context (NP_000724.1, residues 156-176): KAKAKPVTRG[Ala166=]GAGGRQRGQN

ClinVar aggregate classification (germline): Benign/Likely benign. Review status: criteria provided, multiple submitters, no conflicts (2 of 4 stars). 6 submissions from 6 submitters: Benign (2); Likely benign (3). 1 of the submissions does not count toward it. Last evaluated 2026-01-26.

Conditions:
CD3E-related disorder. Also called: CD3E-related condition.
Immunodeficiency 18 (IMD18). Also called: CD3-EPSILON DEFICIENCY; CD3epsilon deficiency. Identifiers: MedGen C3810127, MONDO:0014278, OMIM 615615.

Allele frequency attached by ClinVar (database versions not stated): TOPMed 0.00259; gnomAD 0.00262 and 0.00245; gnomAD exomes 0.00063; 1000 Genomes Project 0.00160; 1000 Genomes Project 30x 0.00187; ESP Exome Variant Server 0.00254.
gnomAD v4.1: 746 of 1,613,540 alleles (0.046%); highest among the groups gnomAD compares: African/African-American, 0.9%; 2 homozygotes.

Submissions (9):

Labcorp Genetics (formerly Invitae), Labcorp
Classification: Benign for Immunodeficiency 18. Last evaluated: 2026-01-26. Review status: criteria provided, single submitter. Criteria: Invitae Variant Classification Sherloc (09022015). Collection method: clinical testing. Allele origin: germline.

Women's Health and Genetics/Laboratory Corporation of America, LabCorp
Classification: Benign. Last evaluated: 2026-01-23. Review status: criteria provided, single submitter. Criteria: LabCorp Variant Classification Summary - May 2015. Collection method: clinical testing. Allele origin: germline.

Blueprint Genetics
Classification: Likely benign. Last evaluated: 2024-06-20. Review status: criteria provided, single submitter. Criteria: ACMG Guidelines, 2015. Collection method: clinical testing. Allele origin: germline.

Fulgent Genetics
Classification: Likely benign for Immunodeficiency 18. Last evaluated: 2021-08-02. Review status: criteria provided, single submitter. Criteria: ACMG Guidelines, 2015. Collection method: clinical testing. Allele origin: unknown.

Breakthrough Genomics
Classification: Likely benign. Review status: criteria provided, single submitter. Criteria: ACMG Guidelines, 2015. Collection method: not provided. Allele origin: germline. Inheritance: Autosomal recessive inheritance. Affected: yes.

PreventionGenetics, part of Exact Sciences
Classification: Likely benign for CD3E-related condition. Last evaluated: 2024-06-25. Review status: no assertion criteria provided. Collection method: clinical testing. Allele origin: germline. Not counted in ClinVar's aggregate classification.
Comment: This variant is classified as likely benign based on ACMG/AMP sequence variant interpretation guidelines (Richards et al. 2015 PMID: 25741868, with internal and published modifications).

Dr. Peter K. Rogan Lab, Western University
No classification provided (evidence only). Condition: Lung cancer. Review status: no classification provided. Collection method: in vitro. Allele origin: not applicable. Functional consequence: retained intron. Not counted in ClinVar's aggregate classification.

Dr. Peter K. Rogan Lab, Western University
No classification provided (evidence only). Condition: Uterine corpus endometrial carcinoma. Review status: no classification provided. Collection method: in vitro. Allele origin: not applicable. Functional consequence: retained intron. Not counted in ClinVar's aggregate classification.

Dr. Peter K. Rogan Lab, Western University
No classification provided (evidence only). Condition: Uterine corpus endometrial carcinoma. Review status: no classification provided. Collection method: in vitro. Allele origin: not applicable. Functional consequence: retained intron. Not counted in ClinVar's aggregate classification.